The following is an entry in ClinVar:

NM_004523.4(KIF11):c.2921dup (p.Asp975fs)

Gene: KIF11 (kinesin family member 11; plus strand). Cytogenetic location: 10q23.33.
Variant type: Duplication.
Coding change: c.2921dup on transcript NM_004523.4 (MANE Select); coding-DNA position 2921, one base duplicated (C; older notation c.2921dupC).
Protein change: p.Asp975fs; shifts the reading frame from aspartic acid 975.
Molecular consequence: frameshift variant.
Genome position (GRCh38, 1-based): chr10:92,649,985, C duplicated; the last of 2 consecutive C bases (chr10:92,649,984-92,649,985); duplicating either gives the same sequence. VCF-style (leftmost placement, unchanged base first): chr10-92649983-T-TC. GRCh37 (hg19) VCF-style: chr10-94409740-T-TC.
Other names: c.2921dupC (NM_004523.4); short protein forms D975fs.
Identifiers: ClinVar variation 2581067 (VCV002581067.2), dbSNP rs2492543409, ClinGen allele CA2580618149.
Genomic context (GRCh38, chr10:92,649,983, plus strand): 5'-GAAACAGCCTGAGCTGTTAATGATGCTAAACTGTTCAGAAAACAACAAAGAAGAGACAAT[T>TC]CCGGTAAATTTAAAGGATCATATTTTATAATAGAACTCTTTTATGAACTCTTGATGTGGC-3'

ClinVar aggregate classification (germline): Likely pathogenic (1 of 4 stars; one submission).

Conditions:
Microcephaly with or without chorioretinopathy, lymphedema, or impaired intellectual development. Also called: Microcephaly with or without chorioretinopathy, lymphedema, or intellectual disability; Microcephaly lymphedema chorioretinal dysplasia; MICROCEPHALY AND CHORIORETINOPATHY WITH OR WITHOUT MENTAL RETARDATION, AUTOSOMAL DOMINANT; MICROCEPHALY, LYMPHEDEMA, CHORIORETINAL DYSPLASIA SYNDROME; Microcephaly with or without chorioretinopathy, lymphedema, or mental retardation. Identifiers: Orphanet 2526, MedGen C1835265, MONDO:0007918, OMIM 152950.

Submission:

Division Of Personalized Genomic Medicine, Columbia University Irving Medical Center
Classification: Likely pathogenic for Microcephaly with or without chorioretinopathy, lymphedema, or impaired intellectual development. Last evaluated: 2020-01-24. Review status: criteria provided, single submitter. Criteria: ACMG Guidelines, 2015. Collection method: clinical testing. Allele origin: maternal. Inheritance: Autosomal dominant inheritance. Observed: 1 heterozygote.
Comment: The c.2921dupC variant is a heterozygous single nucleotide duplication in exon 20 of 22 of the KIF11 gene, resulting in the substitution of the aspartic acid at position 975 to a glycine and a reading frame shift causing premature termination codon downstream. The variant is not observed in the Genome Aggregation Database (gnomAD), indicating it is not a common benign variant in the populations represented in this database. To the best of our knowledge, this variant has not been described to be associated with disease in the literature. However, truncating variants have been shown to cause disease, including further downstream variants [PMID: 24281367, 22284827, and 27212378].

Literature cited by the submitters: PubMed 24281367; PubMed 22284827; PubMed 27212378.